The following is an entry in ClinVar:

NM_014915.3(ANKRD26):c.2041A>G (p.Met681Val)

Gene: ANKRD26 (ankyrin repeat domain 26; minus strand). Cytogenetic location: 10p12.1.
Variant type: single nucleotide variant.
Coding change: c.2041A>G on transcript NM_014915.3 (MANE Select); coding-DNA position 2041, A replaced by G.
Protein change: p.Met681Val; replaces methionine 681 with valine.
Molecular consequence: missense variant.
Genome position (GRCh38, 1-based): chr10:27,043,546, T>C on the plus strand (A>G on the coding strand, the complement: ANKRD26 is on the minus strand). VCF-style: chr10-27043546-T-C. GRCh37 (hg19) VCF-style: chr10-27332475-T-C.
Other names: c.2038A>G, p.Met680Val (NM_001256053.2); short protein forms M680V, M681V.
Identifiers: ClinVar variation 1800648 (VCV001800648.2), dbSNP rs781586513, ClinGen allele CA5448311.

ClinVar aggregate classification (germline): Uncertain significance (1 of 4 stars; one submission).

Allele frequency attached by ClinVar (database versions not stated): TOPMed below 0.00001; gnomAD 0.00001; ExAC 0.00002; gnomAD exomes below 0.00001.
gnomAD v4.1: 5 of 1,613,774 alleles (0.00031%); highest among the groups gnomAD compares: East Asian, 0.0067%; no homozygotes.

Submission:

GeneDx
Classification: Uncertain significance. Last evaluated: 2023-06-05. Review status: criteria provided, single submitter. Criteria: GeneDx Variant Classification Process June 2021. Collection method: clinical testing. Allele origin: germline.
Comment: Not observed at significant frequency in large population cohorts (gnomAD); In silico analysis supports that this missense variant does not alter protein structure/function; Has not been previously published as pathogenic or benign to our knowledge